The following is an entry in ClinVar:

ClinVar aggregate classification (germline): Benign. Review status: criteria provided, multiple submitters, no conflicts (2 of 4 stars). 2 submissions from 2 submitters: Benign (2). Last evaluated 2018-01-12.

Conditions:
Glycogen storage disease type III (GSD3). Also called: FORBES DISEASE; Cori disease. Identifiers: Orphanet 366, MedGen C0017922, MONDO:0009291, OMIM 232400.

Allele frequency attached by ClinVar (database versions not stated): 1000 Genomes Project 30x 0.39335; 1000 Genomes Project 0.40176; gnomAD 0.40438 and 0.40488; TOPMed 0.41293; gnomAD exomes 0.50000.
gnomAD v4.1: 61,511 of 151,932 alleles (40%); highest among the groups gnomAD compares: East Asian, 56%; 12,970 homozygotes.

Submissions (2):

Illumina Laboratory Services, Illumina
Classification: Benign for Glycogen storage disease type III. Last evaluated: 2018-01-12. Review status: criteria provided, single submitter. Criteria: ICSL Variant Classification Criteria 13 December 2019. Collection method: clinical testing. Allele origin: germline.
Comment: This variant was observed in the ICSL laboratory as part of a predisposition screen in an ostensibly healthy population. It had not been previously curated by ICSL or reported in the Human Gene Mutation Database (HGMD: prior to June 1st, 2018), and was therefore a candidate for classification through an automated scoring system. Utilizing variant allele frequency, disease prevalence and penetrance estimates, and inheritance mode, an automated score was calculated to assess if this variant is too frequent to cause the disease. Based on the score and internal cut-off values, a variant classified as benign is not then subjected to further curation. The score for this variant resulted in a classification of benign for this disease.

Breakthrough Genomics
Classification: Benign. Review status: criteria provided, single submitter. Criteria: ACMG Guidelines, 2015. Collection method: not provided. Allele origin: germline. Inheritance: Autosomal recessive inheritance. Affected: yes.

NM_000642.3(AGL):c.*1541T>C

Gene: AGL (amylo-alpha-1,6-glucosidase and 4-alpha-glucanotransferase; plus strand). Cytogenetic location: 1p21.2.
Variant type: single nucleotide variant.
Coding change: c.*1541T>C on transcript NM_000642.3 (MANE Select); 1541 bases downstream of the stop codon, T replaced by C.
Molecular consequence: 3 prime UTR variant.
Genome position (GRCh38, 1-based): chr1:99,923,192, T>C. VCF-style: chr1-99923192-T-C. GRCh37 (hg19) VCF-style: chr1-100388748-T-C.
Other names: c.*1541T>C (NM_000028.3, NM_000643.3, NM_000644.3 and 7 more transcripts).
Identifiers: ClinVar variation 291369 (VCV000291369.6), dbSNP rs3766603, ClinGen allele CA10610912.